The following is an entry in ClinVar:

ClinVar aggregate classification (germline): Uncertain significance (1 of 4 stars; one submission).

Conditions:
Nemaline myopathy 6 (NEM6). Also called: Nemaline myopathy 6, autosomal dominant. Identifiers: Orphanet 171439, MedGen C1836472, MONDO:0012237, OMIM 609273.

Submission:

Labcorp Genetics (formerly Invitae), Labcorp
Classification: Uncertain significance for Nemaline myopathy 6. Last evaluated: 2024-12-31. Review status: criteria provided, single submitter. Criteria: Invitae Variant Classification Sherloc (09022015). Collection method: clinical testing. Allele origin: germline.
Comment: This sequence change affects codon 446 of the KBTBD13 mRNA. It is a 'silent' change, meaning that it does not change the encoded amino acid sequence of the KBTBD13 protein. This variant is not present in population databases (gnomAD no frequency). This variant has not been reported in the literature in individuals affected with KBTBD13-related conditions. Experimental studies and prediction algorithms are not available or were not evaluated, and the effect of this variant on mRNA splicing is currently unknown. In summary, the available evidence is currently insufficient to determine the role of this variant in disease. Therefore, it has been classified as a Variant of Uncertain Significance.

NM_001101362.3(KBTBD13):c.1338C>T (p.Gly446=)

Gene: KBTBD13 (kelch repeat and BTB domain containing 13; plus strand). Cytogenetic location: 15q22.31.
Variant type: single nucleotide variant.
Coding change: c.1338C>T on transcript NM_001101362.3 (MANE Select); coding-DNA position 1338, C replaced by T.
Protein change: p.Gly446=; no amino-acid change (glycine 446 retained).
Molecular consequence: synonymous variant.
Genome position (GRCh38, 1-based): chr15:65,078,153, C>T. VCF-style: chr15-65078153-C-T. GRCh37 (hg19) VCF-style: chr15-65370491-C-T.
Identifiers: ClinVar variation 3729996 (VCV003729996.2).
Genomic context (GRCh38, chr15:65,078,153, plus strand): 5'-GAAAGCCGGCTTCCCGCGGCCCGGCTCCTTGCAGACCTTTCTCCTAAGGCTGCCTCCTGG[C>T]GCTCCTGGGCCTGTGACTTCGACAACGGCAGAACTGTGACCTCTGGGCTGGCTTTAGGAG-3'
Protein context (NP_001094832.1, residues 436-456): LQTFLLRLPP[Gly446=]APGPVTSTTA